The following is an entry in ClinVar:

ClinVar aggregate classification (germline): Uncertain significance (0 of 4 stars; one submission).

Conditions:
GNAS-related disorder. Identifiers: MedGen CN380105.

Submission:

PreventionGenetics, part of Exact Sciences
Classification: Uncertain significance for GNAS-related condition. Last evaluated: 2024-09-18. Review status: no assertion criteria provided. Collection method: clinical testing. Allele origin: germline.
Comment: The GNAS c.338_385dup48 variant is predicted to result in an in-frame duplication (p.Glu128_Pro129insArgGluThrGluSerGluIleGluSerGluThrAspPheGluThrGlu). Of note, this variant is also referred to as c.-51283_-51236dup48 (Pre-Coding) in the more commonly reported isoform NM_000516. This variant occurs in exon 1 of the alternate transcript NM_016592 and variants in this exon have limited association with disease. To our knowledge, this variant has not been reported in the literature or in a large population database, indicating this variant is rare. At this time, the clinical significance of this variant is uncertain due to the absence of conclusive functional and genetic evidence.

NM_016592.5(GNAS):c.338_385dup (p.Glu128_Pro129insArgGluThrGluSerGluIleGluSerGluThrAspPheGluThrGlu)

Genes: GNAS (GNAS complex locus; plus strand), GNAS-AS1 (GNAS antisense RNA 1; minus strand). Cytogenetic location: 20q13.32.
Variant type: Duplication.
Coding change: c.338_385dup on transcript NM_016592.5 (MANE Plus Clinical); coding-DNA positions 338 to 385, 48 bases duplicated.
Protein change: p.Glu128_Pro129insArgGluThrGluSerGluIleGluSerGluThrAspPheGluThrGlu.
Molecular consequence: inframe insertion. On other transcripts: 5 prime UTR variant (1).
Genome position (GRCh38, 1-based): chr20:58,840,444-58,840,491, 48 bases duplicated. GRCh37 (hg19): chr20:57,415,499-57,415,546.
Other names: c.-400_-353dup (NM_001410912.1).
Identifiers: ClinVar variation 3354321 (VCV003354321.1).